The following is an entry in ClinVar:

ClinVar aggregate classification (germline): Uncertain significance (1 of 4 stars; one submission).

Submission:

Women's Health and Genetics/Laboratory Corporation of America, LabCorp
Classification: Uncertain significance. Last evaluated: 2025-03-18. Review status: criteria provided, single submitter. Criteria: LabCorp Variant Classification Summary - May 2015. Collection method: clinical testing. Allele origin: germline.
Comment: Variant summary: The variant involves the duplication of exons 1-5 in the DOCK8 gene. A presumed nomenclature of c.(?_-113)_(528+1_529-1)dup has been designated for the purposes of this classification. The exact breakpoint at the 5' end of this variant is unknown, therefore this duplication may extend upstream of the annotated region of this gene. It is predicted to duplicate a segment including the initiation codon, therefore its impact on the encoded protein is unknown. The variant was absent in 21688 control chromosomes. The available data on variant occurrences in the general population are insufficient to allow any conclusion about variant significance. To our knowledge, no occurrence of c.(?_-113)_(528+1_529-1)dup in individuals affected with Severe Combined Immunodeficiency and no experimental evidence demonstrating its impact on protein function have been reported. No submitters have cited clinical-significance assessments for this variant to ClinVar. Based on the evidence outlined above, the variant was classified as uncertain significance.

NC_000009.11:g.(?_214864)_(304705_311953)dup

Genes: DOCK8 (dedicator of cytokinesis 8; plus strand), DOCK8-AS1 (DOCK8 antisense RNA 1; minus strand). Cytogenetic location: 9p24.3.
Variant type: Duplication.
Identifiers: ClinVar variation 3895571 (VCV003895571.1).